The following is an entry in ClinVar:

NM_001905.4(CTPS1):c.752A>G (p.Tyr251Cys)

Gene: CTPS1 (CTP synthase 1; plus strand). Cytogenetic location: 1p34.2.
Variant type: single nucleotide variant.
Coding change: c.752A>G on transcript NM_001905.4 (MANE Select); coding-DNA position 752, A replaced by G.
Protein change: p.Tyr251Cys; replaces tyrosine 251 with cysteine.
Molecular consequence: missense variant. On other transcripts: non-coding transcript variant (1).
Genome position (GRCh38, 1-based): chr1:40,995,948, A>G. VCF-style: chr1-40995948-A-G. GRCh37 (hg19) VCF-style: chr1-41461620-A-G.
Other names: c.284A>G, p.Tyr95Cys (NM_001301237.2); short protein forms Y95C, Y251C.
Identifiers: ClinVar variation 1372863 (VCV001372863.6), dbSNP rs2148404103, ClinGen allele CA339904212.
Genomic context (GRCh38, chr1:40,995,948, plus strand): 5'-TATTTAATAACTTGCTTTTTTCTAAACAGGTGATCTGTGTCCACGATGTCTCATCCATCT[A>G]CCGAGTCCCCTTGTTGTTAGAGGAGCAAGGGGTTGTAGATTATTTTCTTCGAAGACTTGA-3'
Protein context (NP_001896.2, residues 241-261): VICVHDVSSI[Tyr251Cys]RVPLLLEEQG

ClinVar aggregate classification (germline): Uncertain significance (1 of 4 stars; one submission).

Conditions:
Combined immunodeficiency due to CTPS1 deficiency. Also called: Severe combined immunodeficiency due to CTPS1 deficiency; Immunodeficiency 24. Identifiers: Orphanet 420573, MedGen C4014617, MONDO:0014391, OMIM 615897.

Submission:

Labcorp Genetics (formerly Invitae), Labcorp
Classification: Uncertain significance for Combined immunodeficiency due to CTPS1 deficiency. Last evaluated: 2021-10-12. Review status: criteria provided, single submitter. Criteria: Invitae Variant Classification Sherloc (09022015). Collection method: clinical testing. Allele origin: germline.
Comment: In summary, the available evidence is currently insufficient to determine the role of this variant in disease. Therefore, it has been classified as a Variant of Uncertain Significance. Algorithms developed to predict the effect of missense changes on protein structure and function (SIFT, PolyPhen-2, Align-GVGD) all suggest that this variant is likely to be disruptive. This variant has not been reported in the literature in individuals affected with CTPS1-related conditions. This variant is not present in population databases (ExAC no frequency). This sequence change replaces tyrosine with cysteine at codon 251 of the CTPS1 protein (p.Tyr251Cys). The tyrosine residue is highly conserved and there is a large physicochemical difference between tyrosine and cysteine.